The following is an entry in ClinVar:

ClinVar aggregate classification (germline): Conflicting classifications of pathogenicity. Review status: criteria provided, conflicting classifications (1 of 4 stars). 3 submissions from 3 submitters: Pathogenic (1); Uncertain significance (1). 1 of the submissions does not count toward it. Last evaluated 2025-02-18.

Conditions:
Anterior segment dysgenesis. Also called: Ocular anterior segment dysgenesis. Identifiers: Orphanet 88632, MedGen C1862839, MONDO:0019503, HP:0007700.
Cataract 1 multiple types. Also called: CATARACT 1, MULTIPLE TYPES, WITH OR WITHOUT MICROCORNEA; CATARACT, DUFFY-LINKED; CATARACT 1, NUCLEAR PROGRESSIVE; CATARACT 1 WITH MICROCORNEA; CATARACT 1, POSTERIOR SUBCAPSULAR, WITH MICROCORNEA; CATARACT 1, STELLATE NUCLEAR, WITH MICROCORNEA. Identifiers: Orphanet 1377, MedGen C1861828, MONDO:0007285, OMIM 116200.

Submissions (3):

Molecular Genetics of Human Eye Development, Oxford Brookes University
Classification: Pathogenic for Cataract 1 multiple types. Last evaluated: 2025-02-18. Review status: criteria provided, single submitter. Criteria: ACMG Guidelines, 2015. Collection method: clinical testing. Allele origin: de novo. Affected: yes. Observed: 1 variant allele.
Comment: The GJA8 c.280G>C; The state of his lens was not ascertained due to the sclerocornea. The variant is absent in all control datasets, including gnomAD v4.1, and predicted deleterious/damaging by several in silico prediction tools including SIFT, PolyPhen and AlphaMissense. The variant has been previously reported in patients with congenital eye anomalies (PMID: 28455998; PMID: 35011756; PMID: 32499604; PMID: 29464339). The variant is classified pathogenic using PS1, PM1, PM2, PM6, PP3.

Dept. Genetics and Cancer, Menzies Institute for Medical Research, University of Tasmania
Classification: Uncertain significance for Cataract 1 multiple types. Last evaluated: 2023-01-21. Review status: criteria provided, single submitter. Criteria: ACMG Guidelines, 2015. Collection method: curation. Allele origin: germline.
Comment: Variant identified and curated during a GJA8 specific review of the literature in relation to pediatric or congenital cataract. ACMG-AMP criteria applied: PM2(Supporting), PP3. Original variant report: PMID:28455998;32499604. Proband reported with this variant has rudimentary disc shaped lens, sclerocornea, buphthalmos. Gene review and curation guidelines are outlined in: DOI 10.1080/17469899.2023.2160320

Eye Genetics Research Group, Children's Medical Research Institute
Classification: Likely pathogenic for Anterior segment dysgenesis. Last evaluated: 2020-03-31. Review status: no assertion criteria provided. Collection method: clinical testing. Allele origin: de novo. Affected: yes. Not counted in ClinVar's aggregate classification.

Literature cited by the submitters: PubMed 28455998 (cited by Molecular Genetics of Human Eye Development, Oxford Brookes University and Dept. Genetics and Cancer, Menzies Institute for Medical Research, University of Tasmania); PubMed 32499604 (cited by Dept. Genetics and Cancer, Menzies Institute for Medical Research, University of Tasmania and Eye Genetics Research Group, Children's Medical Research Institute).

NM_005267.5(GJA8):c.280G>C (p.Gly94Arg)

Gene: GJA8 (gap junction protein alpha 8; plus strand). Cytogenetic location: 1q21.2.
Variant type: single nucleotide variant.
Coding change: c.280G>C on transcript NM_005267.5 (MANE Select); coding-DNA position 280, G replaced by C.
Protein change: p.Gly94Arg; replaces glycine 94 with arginine.
Molecular consequence: missense variant.
Genome position (GRCh38, 1-based): chr1:147,908,235, G>C. VCF-style: chr1-147908235-G-C. GRCh37 (hg19) VCF-style: chr1-147380362-G-C.
Other names: short protein forms G94R.
Identifiers: ClinVar variation 932290 (VCV000932290.5), dbSNP rs1651887395, ClinGen allele CA342223809.